The following is an entry in ClinVar:

ClinVar aggregate classification (germline): Uncertain significance. Review status: criteria provided, multiple submitters, no conflicts (2 of 4 stars). 6 submissions from 6 submitters: Uncertain significance (6). Last evaluated 2025-07-30.

Conditions:
Wilms tumor 1 (WT1). Also called: Wilms tumor, somatic. Identifiers: Orphanet 654, MedGen CN033288, MONDO:0008679, OMIM 194070.
Meacham syndrome. Also called: Meacham Winn Culler syndrome. Identifiers: Orphanet 3097, MedGen C1837026, MONDO:0012164, OMIM 608978.
Mesothelioma, malignant (MESOM). Also called: Malignant mesothelioma (disease). Identifiers: Orphanet 50251, MedGen C0345967, MONDO:0006292, OMIM 156240, HP:0100001.
Frasier syndrome. Identifiers: Orphanet 347, MedGen C0950122, MeSH D052159, MONDO:0007635, OMIM 136680.
Nephrotic syndrome, type 4 (NPHS4). Also called: Familial mesangial sclerosis; Nephrotic syndrome, early onset with diffuse mesangial sclerosis. Identifiers: Orphanet 656, MedGen C3151568, MONDO:0009733, OMIM 256370.
Drash syndrome (DDS). Also called: NEPHROPATHY, WILMS TUMOR, AND GENITAL ANOMALIES; WILMS TUMOR AND PSEUDO- OR TRUE HERMAPHRODITISM. Identifiers: Orphanet 220, MedGen C0950121, MONDO:0008682, OMIM 194080.
Inborn genetic diseases. Identifiers: MedGen C0950123, MeSH D030342.
Hereditary cancer-predisposing syndrome. Also called: Neoplastic Syndromes, Hereditary; Hereditary Cancer Syndrome; Hereditary neoplastic syndrome; Tumor predisposition. Identifiers: Orphanet 140162, MedGen C0027672, MeSH D009386, MONDO:0015356.
11p partial monosomy syndrome (WAGR). Also called: CHROMOSOME 11p13 DELETION SYNDROME; WAGR Spectrum Disorder; WAGR syndrome; WAGR Complex. Identifiers: Orphanet 893, MedGen C0206115, MONDO:0008681, OMIM 194072.

Submissions (6):

Labcorp Genetics (formerly Invitae), Labcorp
Classification: Uncertain significance for Wilms tumor 1; Drash syndrome; 11p partial monosomy syndrome; Frasier syndrome. Last evaluated: 2025-07-30. Review status: criteria provided, single submitter. Criteria: Invitae Variant Classification Sherloc (09022015). Collection method: clinical testing. Allele origin: germline.
Comment: This sequence change replaces alanine, which is neutral and non-polar, with tyrosine, which is neutral and polar, at codon 5 of the WT1 protein (p.Ala5Tyr). Information on the frequency of this variant in the gnomAD database is not available, as this variant may be reported differently in the database. This variant has not been reported in the literature in individuals affected with WT1-related conditions. ClinVar contains an entry for this variant (Variation ID: 543119). An algorithm developed to predict the effect of missense changes on protein structure and function (PolyPhen-2) suggests that this variant is likely to be tolerated. In summary, the available evidence is currently insufficient to determine the role of this variant in disease. Therefore, it has been classified as a Variant of Uncertain Significance.

Ambry Genetics
Classification: Uncertain significance for Inborn genetic diseases. Last evaluated: 2025-01-17. Review status: criteria provided, single submitter. Criteria: Ambry Variant Classification Scheme 2023. Collection method: clinical testing. Allele origin: germline.
Comment: The c.13_14delGCinsTA variant (also known as p.A5Y), located in coding exon 1 of the WT1 gene, results from an in-frame deletion of GC and insertion of TA at nucleotide positions 13 to 14. This results in the substitution of the alanine residue for a tyrosine residue at codon 5, an amino acid with dissimilar properties. This amino acid position is well conserved in available vertebrate species. Based on the available evidence, the clinical significance of this variant remains unclear.

Fulgent Genetics
Classification: Uncertain significance for Frasier syndrome; Mesothelioma, malignant; Wilms tumor 1; Drash syndrome; Nephrotic syndrome, type 4; Meacham syndrome. Last evaluated: 2024-04-10. Review status: criteria provided, single submitter. Criteria: ACMG Guidelines, 2015. Collection method: clinical testing. Allele origin: germline.

Baylor Genetics
Classification: Uncertain significance for Drash syndrome. Last evaluated: 2024-03-05. Review status: criteria provided, single submitter. Criteria: ACMG Guidelines, 2015. Collection method: clinical testing. Allele origin: unknown.

GeneDx
Classification: Uncertain significance. Last evaluated: 2022-11-16. Review status: criteria provided, single submitter. Criteria: GeneDx Variant Classification Process June 2021. Collection method: clinical testing. Allele origin: germline. Affected: yes.
Comment: Not observed at significant frequency in large population cohorts (gnomAD); Has not been previously published as pathogenic or benign to our knowledge

Sema4
Classification: Uncertain significance for Hereditary cancer-predisposing syndrome. Last evaluated: 2021-04-28. Review status: criteria provided, single submitter. Criteria: Sema4 Curation Guidelines. Collection method: curation. Allele origin: germline.
Comment: The WT1 c.13_14delGCinsTA (p.A5Y) variant has not been reported in the literature to our knowledge. It was not observed in the large and broad cohorts of the Genome Aggregation Database (PMID: 32461654). The variant has been reported in ClinVar (Variation ID: 543119).Functional studies have not been performed, and in silico predictions of the variant's effect on protein function are inconclusive. The evidence is insufficient to meet ACMG/AMP criteria for classifying the variant as benign or pathogenic. Thus, the clinical significance of this variant is currently uncertain.

NM_024426.6(WT1):c.28_29delinsTA (p.Ala10Tyr)

Genes: WT1 (WT1 transcription factor; minus strand), LOC107982234 (WT1/WT1-AS bi-directional promoter region; plus strand). Cytogenetic location: 11p13.
Variant type: Indel.
Coding change: c.28_29delinsTA on transcript NM_024426.6 (MANE Select); coding-DNA positions 28 to 29, GC replaced by TA.
Protein change: p.Ala10Tyr; replaces alanine 10 with tyrosine.
Molecular consequence: missense variant. On other transcripts: non-coding transcript variant (1).
Genome position (GRCh38, 1-based): chr11:32,435,332-32,435,333, GC replaced by TA on the plus strand (GC replaced by TA on the coding strand, the reverse complement: WT1 is on the minus strand). VCF-style: chr11-32435332-GC-TA. GRCh37 (hg19) VCF-style: chr11-32456878-GC-TA.
Other names: c.28_29delinsTA, p.Ala10Tyr (NM_000378.6, NM_024424.5); c.13_14delGCinsTA (NM_024426.4); short protein forms A10Y.
Identifiers: ClinVar variation 543119 (VCV000543119.15), dbSNP rs1554946803, ClinGen allele CA658797616.